The following is an entry in ClinVar:

ClinVar aggregate classification (germline): Conflicting classifications of pathogenicity. Review status: criteria provided, conflicting classifications (1 of 4 stars). 2 submissions from 2 submitters: Uncertain significance (1); Likely benign (1). Last evaluated 2024-01-31.

Conditions:
Renal cell carcinoma. Identifiers: Orphanet 217071, MedGen C0007134, MeSH D002292, MONDO:0005086, HP:0005584.
Hereditary cancer-predisposing syndrome. Also called: Hereditary neoplastic syndrome; Neoplastic Syndromes, Hereditary; Tumor predisposition; Hereditary Cancer Syndrome. Identifiers: Orphanet 140162, MedGen C0027672, MeSH D009386, MONDO:0015356.

Submissions (2):

Labcorp Genetics (formerly Invitae), Labcorp
Classification: Uncertain significance for Renal cell carcinoma. Last evaluated: 2024-01-31. Review status: criteria provided, single submitter. Criteria: Invitae Variant Classification Sherloc (09022015). Collection method: clinical testing. Allele origin: germline.
Comment: This sequence change replaces asparagine, which is neutral and polar, with serine, which is neutral and polar, at codon 704 of the MET protein (p.Asn704Ser). This variant is not present in population databases (gnomAD no frequency). This variant has not been reported in the literature in individuals affected with MET-related conditions. ClinVar contains an entry for this variant (Variation ID: 941220). Advanced modeling of protein sequence and biophysical properties (such as structural, functional, and spatial information, amino acid conservation, physicochemical variation, residue mobility, and thermodynamic stability) performed at Invitae indicates that this missense variant is not expected to disrupt MET protein function with a negative predictive value of 80%. In summary, the available evidence is currently insufficient to determine the role of this variant in disease. Therefore, it has been classified as a Variant of Uncertain Significance.

Ambry Genetics
Classification: Likely benign for Hereditary cancer-predisposing syndrome. Last evaluated: 2024-01-25. Review status: criteria provided, single submitter. Criteria: Ambry Variant Classification Scheme 2023. Collection method: clinical testing. Allele origin: germline.

NM_000245.4(MET):c.2111A>G (p.Asn704Ser)

Gene: MET (MET proto-oncogene, receptor tyrosine kinase; plus strand). Cytogenetic location: 7q31.2.
Variant type: single nucleotide variant.
Coding change: c.2111A>G on transcript NM_000245.4 (MANE Select); coding-DNA position 2111, A replaced by G.
Protein change: p.Asn704Ser; replaces asparagine 704 with serine.
Molecular consequence: missense variant.
Genome position (GRCh38, 1-based): chr7:116,758,467, A>G. VCF-style: chr7-116758467-A-G. GRCh37 (hg19) VCF-style: chr7-116398521-A-G.
Other names: c.2111A>G, p.Asn704Ser (NM_001127500.3, NM_001324401.3); c.821A>G, p.Asn274Ser (NM_001324402.2); short protein forms N704S, N274S.
Identifiers: ClinVar variation 941220 (VCV000941220.11), dbSNP rs1794272939, ClinGen allele CA368980391.